The following is an entry in ClinVar:

ClinVar aggregate classification (germline): Likely benign. Review status: criteria provided, multiple submitters, no conflicts (2 of 4 stars). 4 submissions from 4 submitters: Likely benign (4). Last evaluated 2025-09-30.

Conditions:
Gorlin syndrome. Also called: Nevoid Basal Cell Carcinoma Syndrome; Basal cell nevus syndrome. Identifiers: Orphanet 377, MedGen C0004779, MONDO:0007187.
Medulloblastoma (MDB). Also called: MEDULLOBLASTOMA PREDISPOSITION SYNDROME; Medulloblastoma, somatic. Identifiers: Orphanet 616, MedGen C0025149, MeSH D008527, MONDO:0007959, OMIM 155255, HP:0002885.
Hereditary cancer-predisposing syndrome. Also called: Hereditary neoplastic syndrome; Neoplastic Syndromes, Hereditary; Hereditary Cancer Syndrome; Tumor predisposition. Identifiers: Orphanet 140162, MedGen C0027672, MeSH D009386, MONDO:0015356.

Allele frequency attached by ClinVar (database versions not stated): gnomAD 0.00003.

Submissions (4):

Women's Health and Genetics/Laboratory Corporation of America, LabCorp
Classification: Likely benign. Last evaluated: 2025-09-30. Review status: criteria provided, single submitter. Criteria: LabCorp Variant Classification Summary - May 2015. Collection method: clinical testing. Allele origin: germline.

Labcorp Genetics (formerly Invitae), Labcorp
Classification: Likely benign for Gorlin syndrome; Medulloblastoma. Last evaluated: 2024-11-13. Review status: criteria provided, single submitter. Criteria: Invitae Variant Classification Sherloc (09022015). Collection method: clinical testing. Allele origin: germline.

CeGaT Center for Human Genetics Tuebingen
Classification: Likely benign. Last evaluated: 2024-09-01. Review status: criteria provided, single submitter. Criteria: CeGaT Center For Human Genetics Tuebingen Variant Classification Criteria Version 2. Collection method: clinical testing. Allele origin: germline. Affected: yes. Observed: 1 variant allele.
Comment: SUFU: PM2:Supporting, BP4, BP7

Ambry Genetics
Classification: Likely benign for Hereditary cancer-predisposing syndrome. Last evaluated: 2019-05-04. Review status: criteria provided, single submitter. Criteria: Ambry Variant Classification Scheme 2023. Collection method: clinical testing. Allele origin: germline.

NM_016169.4(SUFU):c.96G>C (p.Pro32=)

Genes: SUFU (SUFU negative regulator of hedgehog signaling; plus strand), LOC130004614 (ATAC-STARR-seq lymphoblastoid silent region 2764; plus strand). Cytogenetic location: 10q24.32.
Variant type: single nucleotide variant.
Coding change: c.96G>C on transcript NM_016169.4 (MANE Select); coding-DNA position 96, G replaced by C.
Protein change: p.Pro32=; no amino-acid change (proline 32 retained).
Molecular consequence: synonymous variant.
Genome position (GRCh38, 1-based): chr10:102,504,248, G>C. VCF-style: chr10-102504248-G-C. GRCh37 (hg19) VCF-style: chr10-104264005-G-C.
Other names: c.96G>C, p.Pro32= (NM_001178133.2).
Identifiers: ClinVar variation 453984 (VCV000453984.27), dbSNP rs1483435746, ClinGen allele CA471304847.